The following is an entry in ClinVar:

ClinVar aggregate classification (germline): Uncertain significance (1 of 4 stars; one submission).

Conditions:
Charcot-Marie-Tooth disease axonal type 2O. Also called: CHARCOT-MARIE-TOOTH NEUROPATHY, AXONAL, TYPE 2O; CHARCOT-MARIE-TOOTH DISEASE, AXONAL, AUTOSOMAL DOMINANT, TYPE 2O; Charcot-Marie-Tooth Neuropathy Type 2O; Charcot-Marie-Tooth disease, axonal, type 20. Identifiers: Orphanet 284232, MedGen C3280220, MONDO:0013644, OMIM 614228.

Submission:

Labcorp Genetics (formerly Invitae), Labcorp
Classification: Uncertain significance for Charcot-Marie-Tooth disease axonal type 2O. Last evaluated: 2025-10-22. Review status: criteria provided, single submitter. Criteria: Invitae Variant Classification Sherloc (09022015). Collection method: clinical testing. Allele origin: germline.
Comment: This sequence change creates a premature translational stop signal (p.Val4153Glyfs*6) in the DYNC1H1 gene. It is expected to result in an absent or disrupted protein product. However, the current clinical and genetic evidence is not sufficient to establish whether loss-of-function variants in DYNC1H1 cause disease. This variant is not present in population databases (gnomAD no frequency). This variant has not been reported in the literature in individuals affected with DYNC1H1-related conditions. ClinVar contains an entry for this variant (Variation ID: 3657249). Experimental studies and prediction algorithms are not available or were not evaluated, and the functional significance of this variant is currently unknown. In summary, the available evidence is currently insufficient to determine the role of this variant in disease. Therefore, it has been classified as a Variant of Uncertain Significance.

NM_001376.5(DYNC1H1):c.12458del (p.Val4153fs)

Gene: DYNC1H1 (dynein cytoplasmic 1 heavy chain 1; plus strand). Cytogenetic location: 14q32.31.
Variant type: Deletion.
Coding change: c.12458del on transcript NM_001376.5 (MANE Select); coding-DNA position 12458, one base deleted (T; older notation c.12458delT).
Protein change: p.Val4153fs; shifts the reading frame from valine 4153.
Molecular consequence: frameshift variant.
Genome position (GRCh38, 1-based): chr14:102,042,693, T deleted. VCF-style (leftmost placement, unchanged base first): chr14-102042692-GT-G. GRCh37 (hg19) VCF-style: chr14-102509029-GT-G.
Other names: short protein forms V4153fs.
Identifiers: ClinVar variation 3657249 (VCV003657249.2).